The following is an entry in ClinVar:

ClinVar aggregate classification (germline): Uncertain significance. Review status: criteria provided, single submitter (1 of 4 stars). 2 submissions from 2 submitters: Uncertain significance (1). 1 of the submissions does not count toward it. Last evaluated 2024-02-21.

Conditions:
KIF4A-related disorder. Also called: KIF4A-related condition.

Allele frequency attached by ClinVar (database versions not stated): gnomAD exomes 0.00001; gnomAD 0.00006; TOPMed 0.00025.
gnomAD v4.1: 19 of 1,209,647 alleles (0.0016%); highest among the groups gnomAD compares: Admixed American, 0.026%; no homozygotes.

Submissions (2):

Ambry Genetics
Classification: Uncertain significance. Last evaluated: 2024-02-21. Review status: criteria provided, single submitter. Criteria: Ambry Variant Classification Scheme 2023. Collection method: clinical testing. Allele origin: germline.

PreventionGenetics, part of Exact Sciences
Classification: Uncertain significance for KIF4A-related condition. Last evaluated: 2024-07-27. Review status: no assertion criteria provided. Collection method: clinical testing. Allele origin: germline. Not counted in ClinVar's aggregate classification.
Comment: The KIF4A c.2294A>G variant is predicted to result in the amino acid substitution p.Asn765Ser. To our knowledge, this variant has not been reported in the literature. This variant is reported in 0.0036% of alleles in individuals of Latino descent in gnomAD. At this time, the clinical significance of this variant is uncertain due to the absence of conclusive functional and genetic evidence.

NM_012310.5(KIF4A):c.2294A>G (p.Asn765Ser)

Gene: KIF4A (kinesin family member 4A; plus strand). Cytogenetic location: Xq13.1.
Variant type: single nucleotide variant.
Coding change: c.2294A>G on transcript NM_012310.5 (MANE Select); coding-DNA position 2294, A replaced by G.
Protein change: p.Asn765Ser; replaces asparagine 765 with serine.
Molecular consequence: missense variant.
Genome position (GRCh38, 1-based): chrX:70,395,732, A>G. VCF-style: chrX-70395732-A-G. GRCh37 (hg19) VCF-style: chrX-69615582-A-G.
Other names: short protein forms N765S.
Identifiers: ClinVar variation 3114914 (VCV003114914.2), dbSNP rs1037584512, ClinGen allele CA330963525.